The following is an entry in ClinVar:

ClinVar aggregate classification (germline): Conflicting classifications of pathogenicity. Review status: criteria provided, conflicting classifications (1 of 4 stars). 9 submissions from 5 submitters: Uncertain significance (5); Benign (2); Likely benign (2). Last evaluated 2026-01-13.

Conditions:
SCN4A-related disorder. Also called: SCN4A-related disorders.
Paramyotonia congenita of Von Eulenburg. Also called: PARALYSIS PERIODICA PARAMYOTONICA; Eulenburg disease; Myotonia congenita intermittens; Von Eulenburg paramyotonia congenita; Paramyotonia Congenita. Identifiers: Orphanet 684, MedGen C0221055, MONDO:0008195, OMIM 168300. Disease mechanism: loss of function.
Hypokalemic periodic paralysis, type 2 (HOKPP2). Identifiers: Orphanet 681, MedGen C2750061, MONDO:0013234, OMIM 613345.
Hyperkalemic periodic paralysis. Also called: Familial hyperkalemic periodic paralysis; Gamstorp disease. Identifiers: Orphanet 682, MedGen C0238357, MONDO:0008224, OMIM 170500, HP:0007215.
Congenital myopathy 22A, classic (CMYO22A). Identifiers: MedGen C5830453, MONDO:0957247, OMIM 620351.
Congenital myopathy 22B, severe fetal (CMYO22B). Identifiers: MedGen C5830501, MONDO:0957265, OMIM 620369.
Potassium-aggravated myotonia. Also called: MYOTONIA CONGENITA, ACETAZOLAMIDE-RESPONSIVE; MYOTONIA CONGENITA, ATYPICAL; SODIUM CHANNEL MUSCLE DISEASE; Myotonia congenita, atypical, acetazolamide-responsive. Identifiers: Orphanet 612, Orphanet 99734, Orphanet 99735, Orphanet 99736, MedGen C2931826, MONDO:0018959, OMIM 608390.
Congenital myasthenic syndrome 16. Identifiers: Orphanet 590, MedGen C3280112, MONDO:0013620, OMIM 614198.

Allele frequency attached by ClinVar (database versions not stated): gnomAD 0.00001; ExAC 0.00002; gnomAD exomes 0.00004 and 0.00001; TOPMed 0.00001.
gnomAD v4.1: 14 of 1,613,814 alleles (0.00087%); highest among the groups gnomAD compares: Admixed American, 0.017%; no homozygotes.

Submissions (9):

Labcorp Genetics (formerly Invitae), Labcorp
Classification: Uncertain significance for Hyperkalemic periodic paralysis. Last evaluated: 2026-01-13. Review status: criteria provided, single submitter. Criteria: Invitae Variant Classification Sherloc (09022015). Collection method: clinical testing. Allele origin: germline.
Comment: This sequence change replaces proline, which is neutral and non-polar, with leucine, which is neutral and non-polar, at codon 1667 of the SCN4A protein (p.Pro1667Leu). This variant is present in population databases (rs765721076, gnomAD 0.02%). This variant has not been reported in the literature in individuals affected with SCN4A-related conditions. ClinVar contains an entry for this variant (Variation ID: 808307). Invitae Evidence Modeling of protein sequence and biophysical properties (such as structural, functional, and spatial information, amino acid conservation, physicochemical variation, residue mobility, and thermodynamic stability) indicates that this missense variant is expected to disrupt SCN4A protein function with a positive predictive value of 80%. In summary, the available evidence is currently insufficient to determine the role of this variant in disease. Therefore, it has been classified as a Variant of Uncertain Significance.

PreventionGenetics, part of Exact Sciences
Classification: Uncertain significance for SCN4A-related condition. Last evaluated: 2025-04-13. Review status: criteria provided, single submitter. Criteria: ACMG Guidelines, 2015. Collection method: clinical testing. Allele origin: germline.
Comment: The SCN4A c.5000C>T variant is predicted to result in the amino acid substitution p.Pro1667Leu. To our knowledge, this variant has not been reported in the literature. This variant is reported in 0.020% of alleles in individuals of Latino descent in gnomAD. At this time, the clinical significance of this variant is uncertain due to the absence of conclusive functional and genetic evidence.

Fulgent Genetics
Classification: Uncertain significance for Paramyotonia congenita of Von Eulenburg; Hyperkalemic periodic paralysis; Potassium-aggravated myotonia; Hypokalemic periodic paralysis, type 2; Congenital myasthenic syndrome 16; Congenital myopathy 22A, classic; Congenital myopathy 22B, severe fetal. Last evaluated: 2024-05-03. Review status: criteria provided, single submitter. Criteria: ACMG Guidelines, 2015. Collection method: clinical testing. Allele origin: germline.

Illumina Laboratory Services, Illumina
Classification: Benign for Potassium-aggravated myotonia. Last evaluated: 2018-01-13. Review status: criteria provided, single submitter. Criteria: ICSL Variant Classification Criteria 13 December 2019. Collection method: clinical testing. Allele origin: germline.
Comment: This variant was observed in the ICSL laboratory as part of a predisposition screen in an ostensibly healthy population. It had not been previously curated by ICSL or reported in the Human Gene Mutation Database (HGMD: prior to June 1st, 2018), and was therefore a candidate for classification through an automated scoring system. Utilizing variant allele frequency, disease prevalence and penetrance estimates, and inheritance mode, an automated score was calculated to assess if this variant is too frequent to cause the disease. Based on the score and internal cut-off values, a variant classified as benign is not then subjected to further curation. The score for this variant resulted in a classification of benign for this disease.

Illumina Laboratory Services, Illumina
Classification: Benign for Hyperkalemic periodic paralysis. Last evaluated: 2018-01-13. Review status: criteria provided, single submitter. Criteria: ICSL Variant Classification Criteria 13 December 2019. Collection method: clinical testing. Allele origin: germline.
Comment: the same text as in the submission from Illumina Laboratory Services, Illumina above.

Illumina Laboratory Services, Illumina
Classification: Uncertain significance for Congenital myasthenic syndrome 16. Last evaluated: 2018-01-13. Review status: criteria provided, single submitter. Criteria: ICSL Variant Classification Criteria 13 December 2019. Collection method: clinical testing. Allele origin: germline.

Illumina Laboratory Services, Illumina
Classification: Likely benign for Hypokalemic periodic paralysis, type 2. Last evaluated: 2018-01-13. Review status: criteria provided, single submitter. Criteria: ICSL Variant Classification Criteria 13 December 2019. Collection method: clinical testing. Allele origin: germline.
Comment: This variant was observed in the ICSL laboratory as part of a predisposition screen in an ostensibly healthy population. It had not been previously curated by ICSL or reported in the Human Gene Mutation Database (HGMD: prior to June 1st, 2018), and was therefore a candidate for classification through an automated scoring system. Utilizing variant allele frequency, disease prevalence and penetrance estimates, and inheritance mode, an automated score was calculated to assess if this variant is too frequent to cause the disease. Based on the score and internal cut-off values, a variant classified as likely benign is not then subjected to further curation. The score for this variant resulted in a classification of likely benign for this disease.

Illumina Laboratory Services, Illumina
Classification: Likely benign for Paramyotonia congenita of Von Eulenburg. Last evaluated: 2018-01-13. Review status: criteria provided, single submitter. Criteria: ICSL Variant Classification Criteria 13 December 2019. Collection method: clinical testing. Allele origin: germline.
Comment: the same text as in the submission from Illumina Laboratory Services, Illumina above.

CeGaT Center for Human Genetics Tuebingen
Classification: Uncertain significance. Last evaluated: 2016-06-01. Review status: criteria provided, single submitter. Criteria: CeGaT Center For Human Genetics Tuebingen Variant Classification Criteria Version 2. Collection method: clinical testing. Allele origin: germline. Affected: yes. Observed: 1 variant allele.

NM_000334.4(SCN4A):c.5000C>T (p.Pro1667Leu)

Genes: GH-LCR (growth hormone locus control region; plus strand), SCN4A (sodium voltage-gated channel alpha subunit 4; minus strand). Cytogenetic location: 17q23.3.
Variant type: single nucleotide variant.
Coding change: c.5000C>T on transcript NM_000334.4 (MANE Select); coding-DNA position 5000, C replaced by T.
Protein change: p.Pro1667Leu; replaces proline 1667 with leucine.
Molecular consequence: missense variant.
Genome position (GRCh38, 1-based): chr17:63,941,282, G>A on the plus strand (C>T on the coding strand, the complement: SCN4A is on the minus strand). VCF-style: chr17-63941282-G-A. GRCh37 (hg19) VCF-style: chr17-62018642-G-A.
Other names: short protein forms P1667L.
Identifiers: ClinVar variation 808307 (VCV000808307.58), dbSNP rs765721076, ClinGen allele CA8708860.